The following is an entry in ClinVar:

ClinVar aggregate classification (germline): Conflicting classifications of pathogenicity. Review status: criteria provided, conflicting classifications (1 of 4 stars). 11 submissions from 11 submitters: Uncertain significance (9); Likely benign (2). Last evaluated 2026-03-04.

Conditions:
Hereditary cancer-predisposing syndrome. Also called: Neoplastic Syndromes, Hereditary; Tumor predisposition; Hereditary neoplastic syndrome; Hereditary Cancer Syndrome. Identifiers: Orphanet 140162, MedGen C0027672, MeSH D009386, MONDO:0015356.
Lymphangiomyomatosis (LAM). Also called: Lymphangioleiomyomatosis; Lymphangioleiomyomatosis, somatic. Identifiers: Orphanet 538, MedGen C0751674, MONDO:0011705, OMIM 606690.
Isolated focal cortical dysplasia type II (FCORD2). Also called: Focal cortical dysplasia type II; CORTICAL DYSPLASIA OF TAYLOR. Identifiers: Orphanet 268994, MedGen C1846385, MONDO:0011818, OMIM 607341, HP:0032051.
Tuberous sclerosis 1 (TSC1). Identifiers: Orphanet 805, MedGen C1854465, MONDO:0008612, OMIM 191100.
Tuberous sclerosis syndrome (TSC). Also called: Tuberous Sclerosis Complex; Tuberous sclerosis. Identifiers: Orphanet 805, MedGen C0041341, MONDO:0001734.

Allele frequency attached by ClinVar (database versions not stated): gnomAD exomes below 0.00001; TOPMed 0.00001; gnomAD 0.00003 and 0.00005.
gnomAD v4.1: 13 of 1,614,084 alleles (0.00081%); highest among the groups gnomAD compares: Admixed American, 0.013%; no homozygotes.

Submissions (11):

Ambry Genetics
Classification: Likely benign for Hereditary cancer-predisposing syndrome. Last evaluated: 2026-03-04. Review status: criteria provided, single submitter. Criteria: Ambry Variant Classification Scheme 2023. Collection method: clinical testing. Allele origin: germline.

Labcorp Genetics (formerly Invitae), Labcorp
Classification: Likely benign for Tuberous sclerosis 1. Last evaluated: 2026-01-27. Review status: criteria provided, single submitter. Criteria: Invitae Variant Classification Sherloc (09022015). Collection method: clinical testing. Allele origin: germline.

Women's Health and Genetics/Laboratory Corporation of America, LabCorp
Classification: Uncertain significance. Last evaluated: 2025-04-30. Review status: criteria provided, single submitter. Criteria: LabCorp Variant Classification Summary - May 2015. Collection method: clinical testing. Allele origin: germline.
Comment: Variant summary: TSC1 c.503A>C (p.Lys168Thr) results in a non-conservative amino acid change in the encoded protein sequence. Four of five in-silico tools predict a damaging effect of the variant on protein function. The variant was absent in 251282 control chromosomes. The available data on variant occurrences in the general population are insufficient to allow any conclusion about variant significance. To our knowledge, no occurrence of c.503A>C in individuals affected with Tuberous Sclerosis Complex and no experimental evidence demonstrating its impact on protein function have been reported. ClinVar contains an entry for this variant (Variation ID: 466146). Based on the evidence outlined above, the variant was classified as uncertain significance.

All of Us Research Program, National Institutes of Health
Classification: Uncertain significance for Tuberous sclerosis syndrome. Last evaluated: 2024-03-24. Review status: criteria provided, single submitter. Criteria: ACMG Guidelines, 2015. Collection method: clinical testing. Allele origin: germline. Inheritance: Autosomal dominant inheritance. Observed: 6 variant alleles, 6 heterozygotes.
Comment: This missense variant replaces lysine with threonine at codon 168 of the TSC1 protein. Computational prediction is inconclusive regarding the impact of this variant on protein structure and function (internally defined REVEL score threshold 0.5 < inconclusive < 0.7, PMID: 27666373). To our knowledge, functional studies have not been reported for this variant. This variant has not been reported in individuals affected with TSC1-related disorders in the literature. This variant has not been identified in the general population by the Genome Aggregation Database (gnomAD). The available evidence is insufficient to determine the role of this variant in disease conclusively. Therefore, this variant is classified as a Variant of Uncertain Significance.

This study involves interpretation of variants in research participants for the purpose of population health screening. Participant phenotype was not available at the time of variant classification. Additional details can be found in publication PMID: 35346344, PMCID: PMC8962531

Fulgent Genetics
Classification: Uncertain significance for Tuberous sclerosis 1; Lymphangiomyomatosis; Isolated focal cortical dysplasia type II. Last evaluated: 2024-01-16. Review status: criteria provided, single submitter. Criteria: ACMG Guidelines, 2015. Collection method: clinical testing. Allele origin: germline.

Quest Diagnostics Nichols Institute San Juan Capistrano
Classification: Uncertain significance. Last evaluated: 2023-10-20. Review status: criteria provided, single submitter. Criteria: Quest Diagnostics criteria. Collection method: clinical testing. Allele origin: unknown.
Comment: The TSC1 c.503A>C (p.Lys168Thr) variant has been reported in an affected individual with young onset head and neck cancer (PMID: 34598035 (2021)). This variant has also been observed in a reportedly healthy individual (PMID: 29641532 (2018)). The frequency of this variant in the general population, 0.00026 (4/15278 chromosomes in Latino/Admixed American subpopulation (Genome Aggregation Database)), is higher than would generally be expected for pathogenic variants in this gene. Analysis of this variant using bioinformatics tools for the prediction of the effect of amino acid changes on protein structure and function yielded predictions that this variant is benign. Based on the available information, we are unable to determine the clinical significance of this variant.

Baylor Genetics
Classification: Uncertain significance for Isolated focal cortical dysplasia type II. Last evaluated: 2023-10-08. Review status: criteria provided, single submitter. Criteria: ACMG Guidelines, 2015. Collection method: clinical testing. Allele origin: unknown.

GeneDx
Classification: Uncertain significance. Last evaluated: 2023-05-07. Review status: criteria provided, single submitter. Criteria: GeneDx Variant Classification Process June 2021. Collection method: clinical testing. Allele origin: germline. Affected: yes.
Comment: In silico analysis supports that this missense variant does not alter protein structure/function; Not observed at significant frequency in large population cohorts (gnomAD); Reported as a germline variant of uncertain significance in a patient with young head and neck cancer (Cury et al., 2021); This variant is associated with the following publications: (PMID: 34598035)

Blueprint Genetics
Classification: Uncertain significance. Last evaluated: 2022-06-03. Review status: criteria provided, single submitter. Criteria: ACMG Guidelines, 2015. Collection method: clinical testing. Allele origin: germline.

Genome-Nilou Lab
Classification: Uncertain significance for Tuberous sclerosis 1. Last evaluated: 2021-11-07. Review status: criteria provided, single submitter. Criteria: ACMG Guidelines, 2015. Collection method: clinical testing. Allele origin: germline. Affected: no.

Sema4
Classification: Uncertain significance for Hereditary cancer-predisposing syndrome. Last evaluated: 2021-07-01. Review status: criteria provided, single submitter. Criteria: Sema4 Curation Guidelines. Collection method: curation. Allele origin: germline.
Comment: The TSC1 c.503A>C (p.K168T) variant has not been reported in the literature to our knowledge. It was not observed in the large and broad cohorts of the Genome Aggregation Database (PMID: 32461654). The variant has been reported in ClinVar (Variation ID 466146). In silico tools suggest the impact of the variant on protein function is inconclusive, though these predictions have not been confirmed by functional studies. The evidence is insufficient to meet ACMG/AMP criteria for classifying the variant as benign or pathogenic. Thus, the clinical significance of this variant is currently uncertain.

Literature cited by the submitters: PubMed 29641532 (cited by Quest Diagnostics Nichols Institute San Juan Capistrano); PubMed 34598035 (cited by Quest Diagnostics Nichols Institute San Juan Capistrano).

NM_000368.5(TSC1):c.503A>C (p.Lys168Thr)

Gene: TSC1 (TSC complex subunit 1; minus strand). Cytogenetic location: 9q34.13.
Variant type: single nucleotide variant.
Coding change: c.503A>C on transcript NM_000368.5 (MANE Select); coding-DNA position 503, A replaced by C.
Protein change: p.Lys168Thr; replaces lysine 168 with threonine.
Molecular consequence: missense variant.
Genome position (GRCh38, 1-based): chr9:132,923,353, T>G on the plus strand (A>C on the coding strand, the complement: TSC1 is on the minus strand). VCF-style: chr9-132923353-T-G. GRCh37 (hg19) VCF-style: chr9-135798740-T-G.
Other names: c.503A>C, p.Lys168Thr (NM_001162426.2); c.350A>C, p.Lys117Thr (NM_001162427.2); c.140A>C, p.Lys47Thr (NM_001362177.2); short protein forms K168T, K117T, K47T.
Identifiers: ClinVar variation 466146 (VCV000466146.36), dbSNP rs1007335343, ClinGen allele CA200901566.